The following is an entry in ClinVar:

ClinVar aggregate classification (germline): Pathogenic/Likely pathogenic. Review status: criteria provided, multiple submitters, no conflicts (2 of 4 stars). 3 submissions from 3 submitters: Pathogenic (1); Likely pathogenic (2). Last evaluated 2024-12-12.

Conditions:
Multiple sulfatase deficiency (MSD). Also called: Mucosulfatidosis; Multiple Sulfatase Deficiency Disease; Sulfatidosis, Juvenile, Austin Type. Identifiers: Orphanet 585, MedGen C0268263, MONDO:0010088, OMIM 272200.

Submissions (3):

Natera, Inc.
Classification: Pathogenic for Multiple sulfatase deficiency. Last evaluated: 2024-12-12. Review status: criteria provided, single submitter. Criteria: Natera Variant Classification Schema (03/2026). Collection method: clinical testing. Allele origin: germline.
Comment: The c.726-1_726delGA variant in SUMF1 is a canonical splice acceptor site variant predicted to affect pre-mRNA splicing, which may result in an abnormal transcript and altered protein product. This variant is expected to result in nonsense mediated decay, truncation, or a dysfunctional protein product. This variant is rare in the general population with a frequency below the threshold expected for the associated phenotype(s). This variant has been observed in one or more individuals affected with the associated recessive disease, as either homozygous or compound heterozygous with a second variant (PMID: 32749716). Given the available evidence, this variant is classified as Pathogenic.

Labcorp Genetics (formerly Invitae), Labcorp
Classification: Likely pathogenic for Multiple sulfatase deficiency. Last evaluated: 2023-07-29. Review status: criteria provided, single submitter. Criteria: Invitae Variant Classification Sherloc (09022015). Collection method: clinical testing. Allele origin: germline.
Comment: In summary, the currently available evidence indicates that the variant is pathogenic, but additional data are needed to prove that conclusively. Therefore, this variant has been classified as Likely Pathogenic. Algorithms developed to predict the effect of sequence changes on RNA splicing suggest that this variant may disrupt the consensus splice site. ClinVar contains an entry for this variant (Variation ID: 657496). This variant has not been reported in the literature in individuals affected with SUMF1-related conditions. This variant is not present in population databases (gnomAD no frequency). This sequence change affects a splice site in intron 5 of the SUMF1 gene. It is expected to disrupt RNA splicing. Variants that disrupt the donor or acceptor splice site typically lead to a loss of protein function (PMID: 16199547), and loss-of-function variants in SUMF1 are known to be pathogenic (PMID: 12757705, 12757706, 25885655).

Greenwood Genetic Center Diagnostic Laboratories, Greenwood Genetic Center
Classification: Likely pathogenic for Multiple sulfatase deficiency. Last evaluated: 2022-03-15. Review status: criteria provided, single submitter. Criteria: ACMG Guidelines, 2015. Collection method: clinical testing. Allele origin: germline. Affected: yes.
Comment: PVS1_Strong, PS3_Moderate, PM2

Literature cited by the submitters: PubMed 32749716 (cited by Natera, Inc.); PubMed 16199547 (cited by Labcorp Genetics (formerly Invitae), Labcorp); PubMed 12757705 (cited by Labcorp Genetics (formerly Invitae), Labcorp); PubMed 12757706 (cited by Labcorp Genetics (formerly Invitae), Labcorp); PubMed 25885655 (cited by Labcorp Genetics (formerly Invitae), Labcorp).

NM_182760.4(SUMF1):c.726-1_726del

Gene: SUMF1 (sulfatase modifying factor 1; minus strand). Cytogenetic location: 3p26.1.
Variant type: Deletion.
Coding change: c.726-1_726del on transcript NM_182760.4 (MANE Select); the canonical splice acceptor site of the intron before coding-DNA position 726 through coding-DNA position 726, 2 bases deleted (GA; older notation c.726-1_726delGA).
Molecular consequence: splice acceptor variant.
Genome position (GRCh38, 1-based): chr3:4,417,242-4,417,243, TC deleted on the plus strand (GA on the coding strand, the reverse complement: SUMF1 is on the minus strand); deleting any 2 consecutive bases within chr3:4,417,242-4,417,244 gives the same sequence; the c. name uses the placement nearest the transcript's 3' end. VCF-style (leftmost placement, unchanged base first): chr3-4417241-GTC-G. GRCh37 (hg19) VCF-style: chr3-4458925-GTC-G.
Other names: c.726-1_726delGA (NM_182760.4, NM_182760.3); c.651-1_651del (NM_001164674.2); c.726-1_726del (NM_001164675.2).
Identifiers: ClinVar variation 657496 (VCV000657496.12), dbSNP rs1575196325, ClinGen allele CA432312538.